The following is an entry in ClinVar:

NM_015001.3(SPEN):c.6569A>G (p.Tyr2190Cys)

Gene: SPEN (spen family transcriptional repressor; plus strand). Cytogenetic location: 1p36.13.
Variant type: single nucleotide variant.
Coding change: c.6569A>G on transcript NM_015001.3 (MANE Select); coding-DNA position 6569, A replaced by G.
Protein change: p.Tyr2190Cys; replaces tyrosine 2190 with cysteine.
Molecular consequence: missense variant.
Genome position (GRCh38, 1-based): chr1:15,932,809, A>G. VCF-style: chr1-15932809-A-G. GRCh37 (hg19) VCF-style: chr1-16259304-A-G.
Other names: NC_000001.10:g.16259304A>G; short protein forms Y2190C.
Identifiers: ClinVar variation 2638329 (VCV002638329.25), dbSNP rs757834348, ClinGen allele CA619953.

ClinVar aggregate classification (germline): Likely benign (1 of 4 stars; one submission).

Allele frequency attached by ClinVar (database versions not stated): gnomAD 0.00001; gnomAD exomes 0.00001; TOPMed 0.00001; ExAC 0.00002.
gnomAD v4.1: 5 of 1,614,106 alleles (0.00031%); highest among the groups gnomAD compares: Admixed American, 0.0033%; no homozygotes.

Submissions (2):

CeGaT Center for Human Genetics Tuebingen
Classification: Likely benign. Last evaluated: 2023-10-01. Review status: criteria provided, single submitter. Criteria: CeGaT Center For Human Genetics Tuebingen Variant Classification Criteria Version 2. Collection method: clinical testing. Allele origin: germline. Affected: yes. Observed: 1 variant allele.
Comment: SPEN: BP4, BS2

Dr. Peter K. Rogan Lab, Western University
No classification provided (evidence only). Condition: Thyroid cancer, nonmedullary, 1. Review status: no classification provided. Collection method: in vitro. Allele origin: not applicable. Functional consequence: retained intron. Not counted in ClinVar's aggregate classification.